The following is an entry in ClinVar:

ClinVar aggregate classification (germline): Likely benign (1 of 4 stars; one submission).

gnomAD v4.1: 3 of 1,611,854 alleles (0.00019%); highest among the groups gnomAD compares: Non-Finnish European, 0.00025%; no homozygotes.

Submission:

Molecular Diagnostic Laboratory for Inherited Cardiovascular Disease, Montreal Heart Institute
Classification: Likely benign. Last evaluated: 2025-04-09. Review status: criteria provided, single submitter. Criteria: ACMG Guidelines, 2015. Collection method: clinical testing. Allele origin: germline. Affected: no.
Comment: BP1

NM_001267550.2(TTN):c.11311+3886G>A

Gene: TTN (titin; minus strand). Cytogenetic location: 2q31.2.
Variant type: single nucleotide variant.
Coding change: c.11311+3886G>A on transcript NM_001267550.2 (MANE Select); 3886 bases into the intron after coding-DNA position 11311, G replaced by A.
Molecular consequence: intron variant. On other transcripts: missense variant (1).
Genome position (GRCh38, 1-based): chr2:178,749,238, C>T on the plus strand (G>A on the coding strand, the complement: TTN is on the minus strand). VCF-style: chr2-178749238-C-T. GRCh37 (hg19) VCF-style: chr2-179613965-C-T.
Other names: c.13162G>A, p.Asp4388Asn (NM_133379.5); c.10222+3886G>A (NM_003319.4); c.10798+3886G>A (NM_133437.4); c.10597+3886G>A (NM_133432.3); c.10360+3886G>A (NM_133378.4, NM_001256850.1); short protein forms D4388N.
Identifiers: ClinVar variation 3895249 (VCV003895249.1), dbSNP rs2084638848.
Genomic context (GRCh38, chr2:178,749,238, plus strand): 5'-CCTTTTCTGATCTACCAAGTTTTCCAAAATTATTTCTTATTTCTTTCTTAATAGTGACAT[C>T]ACTGAAATCATCAACAAATGGATAAACAGTACCCTCTGCTTGGTGCAGCTTTGATTTTTC-3'